The following is an entry in ClinVar:

NM_000264.5(PTCH1):c.2845G>A (p.Val949Ile)

Gene: PTCH1 (patched 1; minus strand). Cytogenetic location: 9q22.32.
Variant type: single nucleotide variant.
Coding change: c.2845G>A on transcript NM_000264.5 (MANE Select); coding-DNA position 2845, G replaced by A.
Protein change: p.Val949Ile; replaces valine 949 with isoleucine.
Molecular consequence: missense variant. On other transcripts: non-coding transcript variant (1).
Genome position (GRCh38, 1-based): chr9:95,459,642, C>T on the plus strand (G>A on the coding strand, the complement: PTCH1 is on the minus strand). VCF-style: chr9-95459642-C-T. GRCh37 (hg19) VCF-style: chr9-98221924-C-T.
Other names: c.2842G>A, p.Val948Ile (NM_001083603.3); c.2392G>A, p.Val798Ile (NM_001083604.3, NM_001083605.3, NM_001083606.3 and 1 more transcripts); c.2689G>A, p.Val897Ile (NM_001354918.2); c.2647G>A, p.Val883Ile (NM_001083602.3); short protein forms V798I, V883I, V949I, V948I, V897I.
Identifiers: ClinVar variation 3427246 (VCV003427246.2).

ClinVar aggregate classification (germline): Uncertain significance. Review status: criteria provided, multiple submitters, no conflicts (2 of 4 stars). 2 submissions from 2 submitters: Uncertain significance (2). Last evaluated 2025-10-13.

Conditions:
Gorlin syndrome. Also called: Basal cell nevus syndrome; Nevoid Basal Cell Carcinoma Syndrome. Identifiers: Orphanet 377, MedGen C0004779, MONDO:0007187.
Hereditary cancer-predisposing syndrome. Also called: Hereditary Cancer Syndrome; Hereditary neoplastic syndrome; Neoplastic Syndromes, Hereditary; Tumor predisposition. Identifiers: Orphanet 140162, MedGen C0027672, MeSH D009386, MONDO:0015356.

Submissions (2):

Labcorp Genetics (formerly Invitae), Labcorp
Classification: Uncertain significance for Gorlin syndrome. Last evaluated: 2025-10-13. Review status: criteria provided, single submitter. Criteria: Invitae Variant Classification Sherloc (09022015). Collection method: clinical testing. Allele origin: germline.
Comment: This sequence change replaces valine, which is neutral and non-polar, with isoleucine, which is neutral and non-polar, at codon 949 of the PTCH1 protein (p.Val949Ile). This variant is not present in population databases (gnomAD no frequency). This variant has not been reported in the literature in individuals affected with PTCH1-related conditions. ClinVar contains an entry for this variant (Variation ID: 3427246). Invitae Evidence Modeling of protein sequence and biophysical properties (such as structural, functional, and spatial information, amino acid conservation, physicochemical variation, residue mobility, and thermodynamic stability) indicates that this missense variant is not expected to disrupt PTCH1 protein function with a negative predictive value of 95%. In summary, the available evidence is currently insufficient to determine the role of this variant in disease. Therefore, it has been classified as a Variant of Uncertain Significance.

Ambry Genetics
Classification: Uncertain significance for Hereditary cancer-predisposing syndrome. Last evaluated: 2024-07-23. Review status: criteria provided, single submitter. Criteria: Ambry Variant Classification Scheme 2023. Collection method: clinical testing. Allele origin: germline.
Comment: The p.V949I variant (also known as c.2845G>A), located in coding exon 17 of the PTCH1 gene, results from a G to A substitution at nucleotide position 2845. The valine at codon 949 is replaced by isoleucine, an amino acid with highly similar properties. This amino acid position is conserved. In addition, this alteration is predicted to be tolerated by in silico analysis. Based on the available evidence, the clinical significance of this variant remains unclear.